The following is an entry in ClinVar:

NM_001379500.1(COL18A1):c.497C>T (p.Ala166Val)

Gene: COL18A1 (collagen type XVIII alpha 1 chain; plus strand). Cytogenetic location: 21q22.3.
Variant type: single nucleotide variant.
Coding change: c.497C>T on transcript NM_001379500.1 (MANE Select); coding-DNA position 497, C replaced by T.
Protein change: p.Ala166Val; replaces alanine 166 with valine.
Molecular consequence: missense variant.
Genome position (GRCh38, 1-based): chr21:45,468,632, C>T. VCF-style: chr21-45468632-C-T. GRCh37 (hg19) VCF-style: chr21-46888546-C-T.
Other names: c.1037C>T, p.Ala346Val (NM_030582.4); c.1742C>T, p.Ala581Val (NM_130444.3); short protein forms A166V, A346V, A581V.
Identifiers: ClinVar variation 1716025 (VCV001716025.3), dbSNP rs2517559235, ClinGen allele CA410512164.

ClinVar aggregate classification (germline): Uncertain significance (1 of 4 stars; one submission).

gnomAD v4.1: 4 of 1,614,044 alleles (0.00025%); highest among the groups gnomAD compares: Non-Finnish European, 0.00034%; no homozygotes.

Submission:

Labcorp Genetics (formerly Invitae), Labcorp
Classification: Uncertain significance. Last evaluated: 2022-08-10. Review status: criteria provided, single submitter. Criteria: Invitae Variant Classification Sherloc (09022015). Collection method: clinical testing. Allele origin: germline.
Comment: This sequence change replaces alanine, which is neutral and non-polar, with valine, which is neutral and non-polar, at codon 166 of the COL18A1 protein (p.Ala166Val). This variant is not present in population databases (gnomAD no frequency). This variant has not been reported in the literature in individuals affected with COL18A1-related conditions. Experimental studies and prediction algorithms are not available or were not evaluated, and the functional significance of this variant is currently unknown. In summary, the available evidence is currently insufficient to determine the role of this variant in disease. Therefore, it has been classified as a Variant of Uncertain Significance.